The following is an entry in ClinVar:

NM_032898.5(CEP19):c.20A>C (p.Lys7Thr)

Gene: CEP19 (centrosomal protein 19; minus strand). Cytogenetic location: 3q29.
Variant type: single nucleotide variant.
Coding change: c.20A>C on transcript NM_032898.5 (MANE Select); coding-DNA position 20, A replaced by C.
Protein change: p.Lys7Thr; replaces lysine 7 with threonine.
Molecular consequence: missense variant. On other transcripts: intron variant (1).
Genome position (GRCh38, 1-based): chr3:196,708,638, T>G on the plus strand (A>C on the coding strand, the complement: CEP19 is on the minus strand). VCF-style: chr3-196708638-T-G. GRCh37 (hg19) VCF-style: chr3-196435509-T-G.
Other names: c.20A>C, p.Lys7Thr (NM_001379469.1, NM_001379470.1); c.26-726A>C (NM_001379468.1); short protein forms K7T.
Identifiers: ClinVar variation 2097321 (VCV002097321.4), dbSNP rs1711615369, ClinGen allele CA355634950.
Genomic context (GRCh38, chr3:196,708,638, plus strand): 5'-CCCTTGATTTCACTCTCATAGATTAAGATAATAGCTGGAGGCTGAAACCTAATCCCACAT[T>G]TCTTGGCAGTGCACATCATTCCCATGTACATGTCCGGGTAAGTCAGAGGAAATCTGATGA-3'
Protein context (NP_116287.3, residues 1-17): MMCTAK[Lys7Thr]CGIRFQPPAI

ClinVar aggregate classification (germline): Uncertain significance (1 of 4 stars; one submission).

Allele frequency attached by ClinVar (database versions not stated): TOPMed below 0.00001.

Submission:

Labcorp Genetics (formerly Invitae), Labcorp
Classification: Uncertain significance. Last evaluated: 2022-02-12. Review status: criteria provided, single submitter. Criteria: Invitae Variant Classification Sherloc (09022015). Collection method: clinical testing. Allele origin: germline.
Comment: This variant has not been reported in the literature in individuals affected with CEP19-related conditions. This sequence change replaces lysine, which is basic and polar, with threonine, which is neutral and polar, at codon 11 of the CEP19 protein (p.Lys11Thr). This variant is not present in population databases (gnomAD no frequency). Algorithms developed to predict the effect of missense changes on protein structure and function are either unavailable or do not agree on the potential impact of this missense change (SIFT: "Deleterious"; PolyPhen-2: "Benign"; Align-GVGD: "Class C25"). In summary, the available evidence is currently insufficient to determine the role of this variant in disease. Therefore, it has been classified as a Variant of Uncertain Significance.